The following is an entry in ClinVar:

NM_152281.3(GORAB):c.210del (p.Lys70fs)

Gene: GORAB (golgin, RAB6 interacting; plus strand). Cytogenetic location: 1q24.2.
Variant type: Deletion.
Coding change: c.210del on transcript NM_152281.3 (MANE Select); coding-DNA position 210, one base deleted (A; older notation c.210delA).
Protein change: p.Lys70fs; shifts the reading frame from lysine 70.
Molecular consequence: frameshift variant. On other transcripts: 5 prime UTR variant (1), non-coding transcript variant (1).
Genome position (GRCh38, 1-based): chr1:170,539,358, A deleted; the last of 4 consecutive A bases (chr1:170,539,355-170,539,358); deleting any one gives the same sequence. VCF-style (leftmost placement, unchanged base first): chr1-170539354-CA-C. GRCh37 (hg19) VCF-style: chr1-170508495-CA-C.
Other names: c.210del, p.Lys70fs (NM_001146039.2); c.-256del (NM_001320252.2); c.159del, p.Lys53fs (NM_001410894.1); short protein forms K70fs, K53fs.
Identifiers: ClinVar variation 2993903 (VCV002993903.3), dbSNP rs1181703281, ClinGen allele CA527131841.

ClinVar aggregate classification (germline): Pathogenic (1 of 4 stars; one submission).

Submission:

Labcorp Genetics (formerly Invitae), Labcorp
Classification: Pathogenic. Last evaluated: 2025-03-13. Review status: criteria provided, single submitter. Criteria: Invitae Variant Classification Sherloc (09022015). Collection method: clinical testing. Allele origin: germline.
Comment: This sequence change creates a premature translational stop signal (p.Lys95Asnfs*86) in the GORAB gene. It is expected to result in an absent or disrupted protein product. Loss-of-function variants in GORAB are known to be pathogenic (PMID: 18997784, 19681135). This variant is present in population databases (no rsID available, gnomAD 0.0009%). This variant has not been reported in the literature in individuals affected with GORAB-related conditions. ClinVar contains an entry for this variant (Variation ID: 2993903). For these reasons, this variant has been classified as Pathogenic.

Literature cited by the submitters: PubMed 18997784; PubMed 19681135.